The following is an entry in ClinVar:

NM_001261826.3(AP3D1):c.877G>A (p.Gly293Ser)

Gene: AP3D1 (adaptor related protein complex 3 subunit delta 1; minus strand). Cytogenetic location: 19p13.3.
Variant type: single nucleotide variant.
Coding change: c.877G>A on transcript NM_001261826.3 (MANE Select); coding-DNA position 877, G replaced by A.
Protein change: p.Gly293Ser; replaces glycine 293 with serine.
Molecular consequence: missense variant.
Genome position (GRCh38, 1-based): chr19:2,123,859, C>T on the plus strand (G>A on the coding strand, the complement: AP3D1 is on the minus strand). VCF-style: chr19-2123859-C-T. GRCh37 (hg19) VCF-style: chr19-2123858-C-T.
Other names: c.877G>A, p.Gly293Ser (NM_001374799.1, NM_003938.8); short protein forms G293S.
Identifiers: ClinVar variation 2069636 (VCV002069636.4), dbSNP rs539645710, ClinGen allele CA304165776.

ClinVar aggregate classification (germline): Uncertain significance (1 of 4 stars; one submission).

Allele frequency attached by ClinVar (database versions not stated): gnomAD exomes below 0.00001; gnomAD 0.00001; 1000 Genomes Project 0.00020; 1000 Genomes Project 30x 0.00031.

Submission:

Labcorp Genetics (formerly Invitae), Labcorp
Classification: Uncertain significance. Last evaluated: 2025-11-24. Review status: criteria provided, single submitter. Criteria: Invitae Variant Classification Sherloc (09022015). Collection method: clinical testing. Allele origin: germline.
Comment: This sequence change replaces glycine, which is neutral and non-polar, with serine, which is neutral and polar, at codon 293 of the AP3D1 protein (p.Gly293Ser). The frequency data for this variant in the population databases is considered unreliable, as metrics indicate poor data quality at this position in the gnomAD database. This variant has not been reported in the literature in individuals affected with AP3D1-related conditions. ClinVar contains an entry for this variant (Variation ID: 2069636). An algorithm developed to predict the effect of missense changes on protein structure and function (PolyPhen-2) suggests that this variant is likely to be disruptive. In summary, the available evidence is currently insufficient to determine the role of this variant in disease. Therefore, it has been classified as a Variant of Uncertain Significance.